The following is an entry in ClinVar:

ClinVar aggregate classification (germline): Uncertain significance (1 of 4 stars; one submission).

Allele frequency attached by ClinVar (database versions not stated): ExAC 0.00002; ESP Exome Variant Server 0.00008.
gnomAD v4.1: 28 of 1,614,162 alleles (0.0017%); highest among the groups gnomAD compares: East Asian, 0.0045%; no homozygotes.

Submission:

Labcorp Genetics (formerly Invitae), Labcorp
Classification: Uncertain significance. Last evaluated: 2024-11-11. Review status: criteria provided, single submitter. Criteria: Invitae Variant Classification Sherloc (09022015). Collection method: clinical testing. Allele origin: germline.
Comment: This sequence change replaces arginine, which is basic and polar, with tryptophan, which is neutral and slightly polar, at codon 742 of the SLC7A14 protein (p.Arg742Trp). This variant is present in population databases (rs151318739, gnomAD 0.006%). This variant has not been reported in the literature in individuals affected with SLC7A14-related conditions. ClinVar contains an entry for this variant (Variation ID: 1922559). An algorithm developed to predict the effect of missense changes on protein structure and function (PolyPhen-2) suggests that this variant is likely to be tolerated. In summary, the available evidence is currently insufficient to determine the role of this variant in disease. Therefore, it has been classified as a Variant of Uncertain Significance.

NM_020949.3(SLC7A14):c.2224C>T (p.Arg742Trp)

Gene: SLC7A14 (solute carrier family 7 member 14; minus strand). Cytogenetic location: 3q26.2.
Variant type: single nucleotide variant.
Coding change: c.2224C>T on transcript NM_020949.3 (MANE Select); coding-DNA position 2224, C replaced by T.
Protein change: p.Arg742Trp; replaces arginine 742 with tryptophan.
Molecular consequence: missense variant.
Genome position (GRCh38, 1-based): chr3:170,467,147, G>A on the plus strand (C>T on the coding strand, the complement: SLC7A14 is on the minus strand). VCF-style: chr3-170467147-G-A. GRCh37 (hg19) VCF-style: chr3-170184935-G-A.
Other names: short protein forms R742W.
Identifiers: ClinVar variation 1922559 (VCV001922559.5), dbSNP rs151318739, ClinGen allele CA2701478.